The following is an entry in ClinVar:

ClinVar aggregate classification (germline): Uncertain significance (1 of 4 stars; one submission).

Allele frequency attached by ClinVar (database versions not stated): TOPMed below 0.00001; gnomAD 0.00001.

Submission:

Women's Health and Genetics/Laboratory Corporation of America, LabCorp
Classification: Uncertain significance. Last evaluated: 2023-10-06. Review status: criteria provided, single submitter. Criteria: LabCorp Variant Classification Summary - May 2015. Collection method: clinical testing. Allele origin: germline.
Comment: Variant summary: ATP1A2 c.695A>G (p.Glu232Gly) results in a non-conservative amino acid change in the encoded protein sequence. Five of five in-silico tools predict a damaging effect of the variant on protein function. The variant was absent in 251396 control chromosomes (gnomAD). The available data on variant occurrences in the general population are insufficient to allow any conclusion about variant significance. To our knowledge, no occurrence of c.695A>G in individuals affected with Alternating Hemiplegia Of Childhood 1 and no experimental evidence demonstrating its impact on protein function have been reported. No submitters have cited clinical-significance assessments for this variant to ClinVar after 2014. Based on the evidence outlined above, the variant was classified as uncertain significance.

NM_000702.4(ATP1A2):c.695A>G (p.Glu232Gly)

Genes: ATP1A2 (ATPase Na+/K+ transporting subunit alpha 2; plus strand), LOC126805890 (CDK7 strongly-dependent group 2 enhancer GRCh37_chr1:160093987-160095186; plus strand). Cytogenetic location: 1q23.2.
Variant type: single nucleotide variant.
Coding change: c.695A>G on transcript NM_000702.4 (MANE Select); coding-DNA position 695, A replaced by G.
Protein change: p.Glu232Gly; replaces glutamic acid 232 with glycine.
Molecular consequence: missense variant.
Genome position (GRCh38, 1-based): chr1:160,125,200, A>G. VCF-style: chr1-160125200-A-G. GRCh37 (hg19) VCF-style: chr1-160094990-A-G.
Other names: short protein forms E232G.
Identifiers: ClinVar variation 2637617 (VCV002637617.1), dbSNP rs1201491748, ClinGen allele CA343235418.